The following is an entry in ClinVar:

NM_012309.5(SHANK2):c.1441C>T (p.Leu481=)

Gene: SHANK2 (SH3 and multiple ankyrin repeat domains 2; minus strand). Cytogenetic location: 11q13.4.
Variant type: single nucleotide variant.
Coding change: c.1441C>T on transcript NM_012309.5 (MANE Select); coding-DNA position 1441, C replaced by T.
Protein change: p.Leu481=; no amino-acid change (leucine 481 retained).
Molecular consequence: synonymous variant.
Genome position (GRCh38, 1-based): chr11:70,820,416, G>A on the plus strand (C>T on the coding strand, the complement: SHANK2 is on the minus strand). VCF-style: chr11-70820416-G-A. GRCh37 (hg19) VCF-style: chr11-70666521-G-A.
Other names: c.304C>T, p.Leu102= (NM_001379226.1).
Identifiers: ClinVar variation 3385131 (VCV003385131.1).

ClinVar aggregate classification (germline): Uncertain significance (1 of 4 stars; one submission).

Submission:

Women's Health and Genetics/Laboratory Corporation of America, LabCorp
Classification: Uncertain significance. Last evaluated: 2024-10-23. Review status: criteria provided, single submitter. Criteria: LabCorp Variant Classification Summary - May 2015. Collection method: clinical testing. Allele origin: germline.
Comment: Variant summary: SHANK2 c.1441C>T (p.Leu481Phe) results in a non-conservative amino acid change in the encoded protein sequence. Two of four in-silico tools predict a benign effect of the variant on protein function. The variant was absent in 153892 control chromosomes (gnomAD). The available data on variant occurrences in the general population are insufficient to allow any conclusion about variant significance. To our knowledge, no occurrence of c.1441C>T in individuals affected with Autism, Susceptibility To, 17 and no experimental evidence demonstrating its impact on protein function have been reported. No submitters have cited clinical-significance assessments for this variant to ClinVar. Based on the evidence outlined above, the variant was classified as uncertain significance.